The following is an entry in ClinVar:

ClinVar aggregate classification (germline): Uncertain significance (1 of 4 stars; one submission).

Conditions:
Spondylocarpotarsal synostosis syndrome (SCT). Also called: SPONDYLOCARPOTARSAL SYNDROME; VERTEBRAL FUSION WITH CARPAL COALITION; Spondylocarpotarsal Synostosis Syndrome (FLNB-SCT); Synspondylism congenital; Scoliosis, congenital with unilateral unsegmented bar. Identifiers: Orphanet 3275, MedGen C1848934, MONDO:0010094, OMIM 272460.
Boomerang dysplasia. Identifiers: Orphanet 1263, MedGen C0432201, MONDO:0007208, OMIM 112310.
Atelosteogenesis type I. Also called: SPONDYLOHUMEROFEMORAL HYPOPLASIA; GIANT CELL CHONDRODYSPLASIA; Atelosteogenesis Type 1 (FLNB-AO1). Identifiers: Orphanet 1190, MedGen C0265283, MONDO:0007167, OMIM 108720.
Atelosteogenesis type III. Also called: Atelosteogenesis Type 3 (FLNB-AO3). Identifiers: Orphanet 56305, MedGen C3668942, MONDO:0007168, OMIM 108721.
Larsen syndrome (LRS). Also called: Larsen syndrome (FLNB-LS); Bilateral dislocation of the knees, pes cavus, cylindrically shaped fingers and characteristic facies. Identifiers: Orphanet 503, MedGen C0175778, MONDO:0007875, OMIM 150250. Disease mechanism: loss of function.

Submission:

Juno Genomics, Hangzhou Juno Genomics, Inc
Classification: Uncertain significance for Atelosteogenesis type I; Atelosteogenesis type III; Boomerang dysplasia; Larsen syndrome; Spondylocarpotarsal synostosis syndrome. Review status: criteria provided, single submitter. Criteria: ACMG Guidelines, 2015. Collection method: clinical testing. Allele origin: germline.
Comment: Protein length changes due to in-frame deletions/insertions in a non-repeat region or stop-loss variants.;Absent from controls (or at extremely low frequency if recessive) in Genome Aggregation Database.

NM_001457.4(FLNB):c.7447_7449del (p.Asn2483del)

Genes: FLNB (filamin B; plus strand), FLNB-AS1 (FLNB antisense RNA 1; minus strand). Cytogenetic location: 3p14.3.
Variant type: Deletion.
Coding change: c.7447_7449del on transcript NM_001457.4 (MANE Select); coding-DNA positions 7447 to 7449, 3 bases deleted (AAC; older notation c.7447_7449delAAC).
Protein change: p.Asn2483del; deletes asparagine 2483.
Molecular consequence: inframe deletion.
Genome position (GRCh38, 1-based): chr3:58,169,619-58,169,621, AAC deleted; deleting any 3 consecutive bases within chr3:58,169,618-58,169,621 gives the same sequence; the c. name uses the placement nearest the transcript's 3' end. VCF-style (leftmost placement, unchanged base first): chr3-58169617-CCAA-C. GRCh37 (hg19) VCF-style: chr3-58155344-CCAA-C.
Other names: c.7540_7542del, p.Asn2514del (NM_001164317.2); c.7414_7416del, p.Asn2472del (NM_001164318.2); c.7375_7377del, p.Asn2459del (NM_001164319.2); short protein forms N2472del, N2514del, N2483del, N2459del.
Identifiers: ClinVar variation 5006690 (VCV005006690.2).